The following is an entry in ClinVar:

NM_006648.4(WNK2):c.2360C>T (p.Pro787Leu)

Gene: WNK2 (WNK lysine deficient protein kinase 2; plus strand). Cytogenetic location: 9q22.31.
Variant type: single nucleotide variant.
Coding change: c.2360C>T on transcript NM_006648.4 (MANE Select); coding-DNA position 2360, C replaced by T.
Protein change: p.Pro787Leu; replaces proline 787 with leucine.
Molecular consequence: missense variant.
Genome position (GRCh38, 1-based): chr9:93,257,117, C>T. VCF-style: chr9-93257117-C-T. GRCh37 (hg19) VCF-style: chr9-96019399-C-T.
Other names: c.2360C>T, p.Pro787Leu (NM_001282394.3); short protein forms P787L.
Identifiers: ClinVar variation 3470121 (VCV003470121.1).

ClinVar aggregate classification (germline): Uncertain significance (1 of 4 stars; one submission).

gnomAD v4.1: 30 of 1,608,760 alleles (0.0019%); highest among the groups gnomAD compares: African/African-American, 0.012%; no homozygotes.

Submission:

Ambry Genetics
Classification: Uncertain significance. Last evaluated: 2024-10-15. Review status: criteria provided, single submitter. Criteria: Ambry Variant Classification Scheme 2023. Collection method: clinical testing. Allele origin: germline.
Comment: The p.P787L variant (also known as c.2360C>T), located in coding exon 10 of the WNK2 gene, results from a C to T substitution at nucleotide position 2360. The proline at codon 787 is replaced by leucine, an amino acid with similar properties. This amino acid position is conserved. In addition, this alteration is predicted to be tolerated by in silico analysis. Based on the available evidence, the clinical significance of this variant remains unclear.